The following is an entry in ClinVar:

ClinVar aggregate classification (germline): Uncertain significance (1 of 4 stars; one submission).

Submission:

Labcorp Genetics (formerly Invitae), Labcorp
Classification: Uncertain significance. Last evaluated: 2022-06-03. Review status: criteria provided, single submitter. Criteria: Invitae Variant Classification Sherloc (09022015). Collection method: clinical testing. Allele origin: germline.
Comment: This sequence change falls in intron 14 of the CACNA1D gene. It does not directly change the encoded amino acid sequence of the CACNA1D protein. This variant is present in population databases (no rsID available, gnomAD 0.006%). This variant has not been reported in the literature in individuals affected with CACNA1D-related conditions. Experimental studies and prediction algorithms are not available or were not evaluated, and the effect of this variant on mRNA splicing is currently unknown. In summary, the available evidence is currently insufficient to determine the role of this variant in disease. Therefore, it has been classified as a Variant of Uncertain Significance.

NM_001128840.3(CACNA1D):c.1893-5TA[3]

Gene: CACNA1D (calcium voltage-gated channel subunit alpha1 D; plus strand). Cytogenetic location: 3p21.1.
Variant type: Microsatellite.
Coding change: c.1893-5TA[3] on transcript NM_001128840.3 (MANE Select); three copies in a row of the 2-base unit TA starting at c.1893-5; the reference has two copies in a row; one copy, 2 bases duplicated.
Molecular consequence: splice acceptor variant.
Genome position (GRCh38, 1-based): chr3:53,723,789-53,723,790, TA duplicated; duplicating any 2 consecutive bases within chr3:53,723,787-53,723,790 gives the same sequence; the position shown is the placement nearest the transcript's 3' end. VCF-style (leftmost placement, unchanged base first): chr3-53723786-T-TTA. GRCh37 (hg19) VCF-style: chr3-53757813-T-TTA.
Other names: c.1893-5TA[3] (NM_001128839.3); c.1953-5TA[3] (NM_000720.4).
Identifiers: ClinVar variation 2001773 (VCV002001773.4), dbSNP rs1160972746, ClinGen allele CA543530464.